The following is an entry in ClinVar:

ClinVar aggregate classification (germline): Likely benign (1 of 4 stars; one submission).

Conditions:
Hereditary leiomyomatosis and renal cell cancer. Also called: MULTIPLE CUTANEOUS AND UTERINE LEIOMYOMATA 1, WITH OR WITHOUT RENAL CELL CARCINOMA; LEIOMYOMA, MULTIPLE CUTANEOUS; FH tumor predisposition syndrome; Reed syndrome; Multiple cutaneous and uterine leiomyomatosis; Cutaneous leiomyomata with uterine leiomyomata. Identifiers: Orphanet 523, MedGen C1708350, MONDO:0007888, OMIM 150800, HP:0007437. Disease mechanism: loss of function.

gnomAD v4.1: 1 of 1,613,840 alleles (0.000062%); highest among the groups gnomAD compares: Non-Finnish European, 0.000085%; no homozygotes.

Submission:

Myriad Genetics, Inc.
Classification: Likely benign for Hereditary leiomyomatosis and renal cell cancer. Last evaluated: 2024-10-21. Review status: criteria provided, single submitter. Criteria: Myriad Autosomal Dominant, Autosomal Recessive and X-Linked Classification Criteria (2023). Collection method: clinical testing. Allele origin: unknown.
Comment: This variant is considered likely benign. This variant is intronic and is not expected to impact mRNA splicing.

NM_000143.4(FH):c.1109-18T>C

Gene: FH (fumarate hydratase; minus strand). Cytogenetic location: 1q43.
Variant type: single nucleotide variant.
Coding change: c.1109-18T>C on transcript NM_000143.4 (MANE Select); 18 bases into the intron before coding-DNA position 1109, T replaced by C.
Molecular consequence: intron variant.
Genome position (GRCh38, 1-based): chr1:241,502,588, A>G on the plus strand (T>C on the coding strand, the complement: FH is on the minus strand). VCF-style: chr1-241502588-A-G. GRCh37 (hg19) VCF-style: chr1-241665888-A-G.
Identifiers: ClinVar variation 3773040 (VCV003773040.1).